The following is an entry in ClinVar:

NM_001161403.3(LIMS2):c.971C>T (p.Ser324Leu)

Gene: LIMS2 (LIM zinc finger domain containing 2; minus strand). Cytogenetic location: 2q14.3.
Variant type: single nucleotide variant.
Coding change: c.971C>T on transcript NM_001161403.3 (MANE Select); coding-DNA position 971, C replaced by T.
Protein change: p.Ser324Leu; replaces serine 324 with leucine.
Molecular consequence: missense variant.
Genome position (GRCh38, 1-based): chr2:127,639,336, G>A on the plus strand (C>T on the coding strand, the complement: LIMS2 is on the minus strand). VCF-style: chr2-127639336-G-A. GRCh37 (hg19) VCF-style: chr2-128396911-G-A.
Other names: c.1043C>T (NM_017980.4); c.1037C>T, p.Ser346Leu (NM_001136037.4); c.956C>T, p.Ser319Leu (NM_001161404.2); c.515C>T, p.Ser172Leu (NM_001256542.2); c.1043C>T, p.Ser348Leu (NM_017980.5); c.1037C>T (NM_001136037.3); short protein forms S172L, S324L, S348L, S319L, S346L.
Identifiers: ClinVar variation 1354331 (VCV001354331.11), dbSNP rs377574169, ClinGen allele CA1862790.

ClinVar aggregate classification (germline): Uncertain significance. Review status: criteria provided, multiple submitters, no conflicts (2 of 4 stars). 3 submissions from 3 submitters: Uncertain significance (3). Last evaluated 2025-10-26.

Conditions:
Autosomal recessive limb-girdle muscular dystrophy type 2W (MDRCMTT). Also called: Muscular dystrophy, autosomal recessive, with cardiomyopathy and triangular tongue; Muscular dystrophy, limb-girdle, type 2W. Identifiers: MedGen C4225192, MONDO:0014788, OMIM 616827.

Allele frequency attached by ClinVar (database versions not stated): gnomAD exomes 0.00004 and 0.00011; ESP Exome Variant Server 0.00008; ExAC 0.00011; gnomAD 0.00023 and 0.00024; TOPMed 0.00023; 1000 Genomes Project 0.00060; 1000 Genomes Project 30x 0.00062.
gnomAD v4.1: 96 of 1,613,894 alleles (0.0059%); highest among the groups gnomAD compares: African/African-American, 0.061%; no homozygotes.

Submissions (3):

Labcorp Genetics (formerly Invitae), Labcorp
Classification: Uncertain significance for Autosomal recessive limb-girdle muscular dystrophy type 2W. Last evaluated: 2025-10-26. Review status: criteria provided, single submitter. Criteria: Invitae Variant Classification Sherloc (09022015). Collection method: clinical testing. Allele origin: germline.
Comment: This sequence change replaces serine, which is neutral and polar, with leucine, which is neutral and non-polar, at codon 346 of the LIMS2 protein (p.Ser346Leu). This variant is present in population databases (rs377574169, gnomAD 0.09%), and has an allele count higher than expected for a pathogenic variant. This variant has not been reported in the literature in individuals affected with LIMS2-related conditions. ClinVar contains an entry for this variant (Variation ID: 1354331). Invitae Evidence Modeling of protein sequence and biophysical properties (such as structural, functional, and spatial information, amino acid conservation, physicochemical variation, residue mobility, and thermodynamic stability) indicates that this missense variant is not expected to disrupt LIMS2 protein function with a negative predictive value of 80%. In summary, the available evidence is currently insufficient to determine the role of this variant in disease. Therefore, it has been classified as a Variant of Uncertain Significance.

Ambry Genetics
Classification: Uncertain significance. Last evaluated: 2025-09-01. Review status: criteria provided, single submitter. Criteria: Ambry Variant Classification Scheme 2023. Collection method: clinical testing. Allele origin: germline.

Revvity Omics, Revvity
Classification: Uncertain significance for Autosomal recessive limb-girdle muscular dystrophy type 2W. Last evaluated: 2021-02-09. Review status: criteria provided, single submitter. Criteria: ACMG Guidelines, 2015. Collection method: clinical testing. Allele origin: germline.